The following is an entry in ClinVar:

ClinVar aggregate classification (germline): Benign (1 of 4 stars; one submission).

gnomAD v4.1: 1,493 of 1,611,084 alleles (0.093%); highest among the groups gnomAD compares: South Asian, 0.091%; 12 homozygotes.

Submission:

CeGaT Center for Human Genetics Tuebingen
Classification: Benign. Last evaluated: 2025-05-01. Review status: criteria provided, single submitter. Criteria: CeGaT Center For Human Genetics Tuebingen Variant Classification Criteria Version 2. Collection method: clinical testing. Allele origin: germline. Affected: yes. Observed: 1 variant allele.
Comment: AHNAK2: BP4, BS1, BS2

NM_138420.4(AHNAK2):c.1311G>T (p.Lys437Asn)

Gene: AHNAK2 (AHNAK nucleoprotein 2; minus strand). Cytogenetic location: 14q32.33.
Variant type: single nucleotide variant.
Coding change: c.1311G>T on transcript NM_138420.4 (MANE Select); coding-DNA position 1311, G replaced by T.
Protein change: p.Lys437Asn; replaces lysine 437 with asparagine.
Molecular consequence: missense variant.
Genome position (GRCh38, 1-based): chr14:104,954,140, C>A on the plus strand (G>T on the coding strand, the complement: AHNAK2 is on the minus strand). VCF-style: chr14-104954140-C-A. GRCh37 (hg19) VCF-style: chr14-105420477-C-A.
Other names: c.1011G>T, p.Lys337Asn (NM_001350929.2); short protein forms K337N, K437N.
Identifiers: ClinVar variation 3904853 (VCV003904853.10).